The following is an entry in ClinVar:

NM_000368.5(TSC1):c.2672A>G (p.Asn891Ser)

Gene: TSC1 (TSC complex subunit 1; minus strand). Cytogenetic location: 9q34.13.
Variant type: single nucleotide variant.
Coding change: c.2672A>G on transcript NM_000368.5 (MANE Select); coding-DNA position 2672, A replaced by G.
Protein change: p.Asn891Ser; replaces asparagine 891 with serine.
Molecular consequence: missense variant.
Genome position (GRCh38, 1-based): chr9:132,897,564, T>C on the plus strand (A>G on the coding strand, the complement: TSC1 is on the minus strand). VCF-style: chr9-132897564-T-C. GRCh37 (hg19) VCF-style: chr9-135772951-T-C.
Other names: c.2669A>G, p.Asn890Ser (NM_001162426.2); c.2519A>G, p.Asn840Ser (NM_001162427.2); c.2309A>G, p.Asn770Ser (NM_001362177.2); short protein forms N891S, N770S, N840S, N890S.
Identifiers: ClinVar variation 411235 (VCV000411235.19), dbSNP rs1060503203, ClinGen allele CA16612565.

ClinVar aggregate classification (germline): Conflicting classifications of pathogenicity. Review status: criteria provided, conflicting classifications (1 of 4 stars). 5 submissions from 5 submitters: Uncertain significance (3); Likely benign (2). Last evaluated 2026-01-02.

Conditions:
Hereditary cancer-predisposing syndrome. Also called: Hereditary neoplastic syndrome; Neoplastic Syndromes, Hereditary; Tumor predisposition; Hereditary Cancer Syndrome. Identifiers: Orphanet 140162, MedGen C0027672, MeSH D009386, MONDO:0015356.
Tuberous sclerosis 1 (TSC1). Identifiers: Orphanet 805, MedGen C1854465, MONDO:0008612, OMIM 191100.
Lymphangiomyomatosis (LAM). Also called: Lymphangioleiomyomatosis; Lymphangioleiomyomatosis, somatic. Identifiers: Orphanet 538, MedGen C0751674, MONDO:0011705, OMIM 606690.
Isolated focal cortical dysplasia type II (FCORD2). Also called: CORTICAL DYSPLASIA OF TAYLOR; Focal cortical dysplasia type II. Identifiers: Orphanet 268994, MedGen C1846385, MONDO:0011818, OMIM 607341, HP:0032051.

Allele frequency attached by ClinVar (database versions not stated): gnomAD exomes below 0.00001.
gnomAD v4.1: 4 of 1,607,256 alleles (0.00025%); highest among the groups gnomAD compares: Non-Finnish European, 0.00034%; no homozygotes.

Submissions (5):

Labcorp Genetics (formerly Invitae), Labcorp
Classification: Uncertain significance for Tuberous sclerosis 1. Last evaluated: 2026-01-02. Review status: criteria provided, single submitter. Criteria: Invitae Variant Classification Sherloc (09022015). Collection method: clinical testing. Allele origin: germline.
Comment: This sequence change replaces asparagine, which is neutral and polar, with serine, which is neutral and polar, at codon 891 of the TSC1 protein (p.Asn891Ser). This variant is not present in population databases (gnomAD no frequency). This variant has not been reported in the literature in individuals affected with TSC1-related conditions. ClinVar contains an entry for this variant (Variation ID: 411235). Invitae Evidence Modeling of protein sequence and biophysical properties (such as structural, functional, and spatial information, amino acid conservation, physicochemical variation, residue mobility, and thermodynamic stability) indicates that this missense variant is not expected to disrupt TSC1 protein function with a negative predictive value of 95%. In summary, the available evidence is currently insufficient to determine the role of this variant in disease. Therefore, it has been classified as a Variant of Uncertain Significance.

Ambry Genetics
Classification: Likely benign for Hereditary cancer-predisposing syndrome. Last evaluated: 2024-07-26. Review status: criteria provided, single submitter. Criteria: Ambry Variant Classification Scheme 2023. Collection method: clinical testing. Allele origin: germline.

Fulgent Genetics
Classification: Uncertain significance for Tuberous sclerosis 1; Lymphangiomyomatosis; Isolated focal cortical dysplasia type II. Last evaluated: 2024-02-28. Review status: criteria provided, single submitter. Criteria: ACMG Guidelines, 2015. Collection method: clinical testing. Allele origin: germline.

Genome-Nilou Lab
Classification: Uncertain significance for Tuberous sclerosis 1. Last evaluated: 2021-11-07. Review status: criteria provided, single submitter. Criteria: ACMG Guidelines, 2015. Collection method: clinical testing. Allele origin: germline. Affected: no.

GeneDx
Classification: Likely benign. Last evaluated: 2017-08-22. Review status: criteria provided, single submitter. Criteria: GeneDx Variant Classification (06012015). Collection method: clinical testing. Allele origin: germline. Affected: yes.
Comment: This variant is considered likely benign or benign based on one or more of the following criteria: it is a conservative change, it occurs at a poorly conserved position in the protein, it is predicted to be benign by multiple in silico algorithms, and/or has population frequency not consistent with disease.